The following is an entry in ClinVar:

ClinVar aggregate classification (germline): Uncertain significance. Review status: criteria provided, multiple submitters, no conflicts (2 of 4 stars). 3 submissions from 3 submitters: Uncertain significance (3). Last evaluated 2026-08-31.

Conditions:
Hereditary nonpolyposis colorectal neoplasms. Identifiers: MedGen C0009405, MeSH D003123.
Hereditary cancer-predisposing syndrome. Also called: Hereditary Cancer Syndrome; Neoplastic Syndromes, Hereditary; Hereditary neoplastic syndrome; Tumor predisposition. Identifiers: Orphanet 140162, MedGen C0027672, MeSH D009386, MONDO:0015356.

Submissions (3):

Ambry Genetics
Classification: Uncertain significance for Hereditary cancer-predisposing syndrome. Last evaluated: 2026-08-31. Review status: criteria provided, single submitter. Criteria: Ambry Variant Classification Scheme 2023. Collection method: clinical testing. Allele origin: germline.
Comment: The p.V296F variant (also known as c.886G>T), located in coding exon 4 of the MSH6 gene, results from a G to T substitution at nucleotide position 886. The valine at codon 296 is replaced by phenylalanine, an amino acid with highly similar properties. This amino acid position is conserved. In addition, the in silico prediction for this alteration is inconclusive. Based on the available evidence, the clinical significance of this variant remains unclear.

Labcorp Genetics (formerly Invitae), Labcorp
Classification: Uncertain significance for Hereditary nonpolyposis colorectal neoplasms. Last evaluated: 2024-06-11. Review status: criteria provided, single submitter. Criteria: Invitae Variant Classification Sherloc (09022015). Collection method: clinical testing. Allele origin: germline.
Comment: This sequence change replaces valine, which is neutral and non-polar, with phenylalanine, which is neutral and non-polar, at codon 296 of the MSH6 protein (p.Val296Phe). This variant is not present in population databases (gnomAD no frequency). This variant has not been reported in the literature in individuals affected with MSH6-related conditions. ClinVar contains an entry for this variant (Variation ID: 1321106). Advanced modeling of protein sequence and biophysical properties (such as structural, functional, and spatial information, amino acid conservation, physicochemical variation, residue mobility, and thermodynamic stability) performed at Invitae indicates that this missense variant is not expected to disrupt MSH6 protein function with a negative predictive value of 95%. In summary, the available evidence is currently insufficient to determine the role of this variant in disease. Therefore, it has been classified as a Variant of Uncertain Significance.

GeneDx
Classification: Uncertain significance. Last evaluated: 2020-10-27. Review status: criteria provided, single submitter. Criteria: GeneDx Variant Classification Process June 2021. Collection method: clinical testing. Allele origin: germline. Affected: yes.
Comment: Not observed in large population cohorts (Lek 2016); In silico analysis supports that this missense variant does not alter protein structure/function; Has not been previously published as pathogenic or benign to our knowledge

NM_000179.3(MSH6):c.886G>T (p.Val296Phe)

Gene: MSH6 (mutS homolog 6; plus strand). Cytogenetic location: 2p16.3.
Variant type: single nucleotide variant.
Coding change: c.886G>T on transcript NM_000179.3 (MANE Select); coding-DNA position 886, G replaced by T.
Protein change: p.Val296Phe; replaces valine 296 with phenylalanine.
Molecular consequence: missense variant. On other transcripts: 5 prime UTR variant (2).
Genome position (GRCh38, 1-based): chr2:47,798,869, G>T. VCF-style: chr2-47798869-G-T. GRCh37 (hg19) VCF-style: chr2-48026008-G-T.
Other names: c.496G>T, p.Val166Phe (NM_001281492.2); c.-21G>T (NM_001281493.2, NM_001281494.2); short protein forms V166F, V296F.
Identifiers: ClinVar variation 1321106 (VCV001321106.10), dbSNP rs2104303975, ClinGen allele CA346740678.
Genomic context (GRCh38, chr2:47,798,869, plus strand): 5'-GATGAAATAAGCAGTGGAGTGGGGGATAGTGAGAGTGAAGGCCTGAACAGCCCTGTCAAA[G>T]TTGCTCGAAAGCGGAAGAGAATGGTGACTGGAAATGGCTCTCTTAAAAGGAAAAGCTCTA-3'
Protein context (NP_000170.1, residues 286-306): ESEGLNSPVK[Val296Phe]ARKRKRMVTG